The following is an entry in ClinVar:

ClinVar aggregate classification (germline): Uncertain significance. Review status: criteria provided, multiple submitters, no conflicts (2 of 4 stars). 2 submissions from 2 submitters: Uncertain significance (2). Last evaluated 2025-12-03.

Conditions:
Inborn genetic diseases. Identifiers: MedGen C0950123, MeSH D030342.
Parkinsonian-pyramidal syndrome. Also called: PARKINSON DISEASE 15, AUTOSOMAL RECESSIVE; PALLIDOPYRAMIDAL SYNDROME; PARKINSON DISEASE 15, AUTOSOMAL RECESSIVE EARLY-ONSET. Identifiers: Orphanet 171695, MedGen C1850100, MONDO:0009830, OMIM 260300.

Allele frequency attached by ClinVar (database versions not stated): gnomAD 0.00001; gnomAD exomes 0.00001; TOPMed 0.00001.
gnomAD v4.1: 11 of 1,614,024 alleles (0.00068%); highest among the groups gnomAD compares: Non-Finnish European, 0.00093%; no homozygotes.

Submissions (2):

Ambry Genetics
Classification: Uncertain significance for Inborn genetic diseases. Last evaluated: 2025-12-03. Review status: criteria provided, single submitter. Criteria: Ambry Variant Classification Scheme 2023. Collection method: clinical testing. Allele origin: germline.

Labcorp Genetics (formerly Invitae), Labcorp
Classification: Uncertain significance for Parkinsonian-pyramidal syndrome. Last evaluated: 2022-03-11. Review status: criteria provided, single submitter. Criteria: Invitae Variant Classification Sherloc (09022015). Collection method: clinical testing. Allele origin: germline.
Comment: This sequence change replaces alanine, which is neutral and non-polar, with valine, which is neutral and non-polar, at codon 84 of the FBXO7 protein (p.Ala84Val). This variant is not present in population databases (gnomAD no frequency). This variant has not been reported in the literature in individuals affected with FBXO7-related conditions. Algorithms developed to predict the effect of missense changes on protein structure and function are either unavailable or do not agree on the potential impact of this missense change (SIFT: "Tolerated"; PolyPhen-2: "Possibly Damaging"; Align-GVGD: "Class C0"). In summary, the available evidence is currently insufficient to determine the role of this variant in disease. Therefore, it has been classified as a Variant of Uncertain Significance.

NM_012179.4(FBXO7):c.251C>T (p.Ala84Val)

Gene: FBXO7 (F-box protein 7; plus strand). Cytogenetic location: 22q12.3.
Variant type: single nucleotide variant.
Coding change: c.251C>T on transcript NM_012179.4 (MANE Select); coding-DNA position 251, C replaced by T.
Protein change: p.Ala84Val; replaces alanine 84 with valine.
Molecular consequence: missense variant. On other transcripts: 5 prime UTR variant (1), intron variant (1).
Genome position (GRCh38, 1-based): chr22:32,479,109, C>T. VCF-style: chr22-32479109-C-T. GRCh37 (hg19) VCF-style: chr22-32875096-C-T.
Other names: c.-92C>T (NM_001257990.2); c.38-24C>T (NM_001033024.2); c.251C>T (NM_012179.3); short protein forms A84V.
Identifiers: ClinVar variation 2202665 (VCV002202665.2), dbSNP rs201729077, ClinGen allele CA323429044.